The following is an entry in ClinVar:

ClinVar aggregate classification (germline): Uncertain significance (1 of 4 stars; one submission).

Submission:

CeGaT Center for Human Genetics Tuebingen
Classification: Uncertain significance. Last evaluated: 2026-09-01. Review status: criteria provided, single submitter. Criteria: CeGaT Center For Human Genetics Tuebingen Variant Classification Criteria Version 2. Collection method: clinical testing. Allele origin: germline. Affected: yes. Observed: 2 variant alleles.
Comment: TBK1: PM2, PM4, PS4:Supporting

NM_013254.4(TBK1):c.1427_1435del (p.Glu476_Thr478del)

Gene: TBK1 (TANK binding kinase 1; plus strand). Cytogenetic location: 12q14.2.
Variant type: Deletion.
Coding change: c.1427_1435del on transcript NM_013254.4 (MANE Select); coding-DNA positions 1427 to 1435, 9 bases deleted (AAAAAACTG; older notation c.1427_1435delAAAAAACTG).
Protein change: p.Glu476_Thr478del.
Molecular consequence: inframe deletion.
Genome position (GRCh38, 1-based): chr12:64,488,573-64,488,581, AAAAAACTG deleted; deleting any 9 consecutive bases within chr12:64,488,571-64,488,581 gives the same sequence; the c. name uses the placement nearest the transcript's 3' end. VCF-style (leftmost placement, unchanged base first): chr12-64488570-TTGAAAAAAC-T. GRCh37 (hg19) VCF-style: chr12-64882350-TTGAAAAAAC-T.
Identifiers: ClinVar variation 3905731 (VCV003905731.10).
Genomic context (GRCh38, chr12:64,488,570, plus strand): 5'-ATGAAACTGTTCACAAAAAGACAGAAGTTGTGATCACATTGGATTTCTGTATCAGAAACA[TTGAAAAAAC>T]TGTGAAAGTGTGAGTAGACTACTTCCTTACTAGTAGGGGTTAAATTATTAAATGTTCCAT-3'